The following is an entry in ClinVar:

NM_002439.5(MSH3):c.1654-1G>C

Gene: MSH3 (mutS homolog 3; plus strand). Cytogenetic location: 5q14.1.
Variant type: single nucleotide variant.
Coding change: c.1654-1G>C on transcript NM_002439.5 (MANE Select); the canonical splice acceptor site of the intron before coding-DNA position 1654, G replaced by C.
Molecular consequence: splice acceptor variant.
Genome position (GRCh38, 1-based): chr5:80,744,505, G>C. VCF-style: chr5-80744505-G-C. GRCh37 (hg19) VCF-style: chr5-80040324-G-C.
Identifiers: ClinVar variation 1777308 (VCV001777308.4), dbSNP rs779700173, ClinGen allele CA3328004.

ClinVar aggregate classification (germline): Likely pathogenic (1 of 4 stars; one submission).

Conditions:
Hereditary cancer-predisposing syndrome. Also called: Neoplastic Syndromes, Hereditary; Tumor predisposition; Hereditary Cancer Syndrome; Hereditary neoplastic syndrome. Identifiers: Orphanet 140162, MedGen C0027672, MeSH D009386, MONDO:0015356.

Allele frequency attached by ClinVar (database versions not stated): gnomAD exomes below 0.00001; ExAC 0.00001.
gnomAD v4.1: 1 of 1,608,796 alleles (0.000062%); highest among the groups gnomAD compares: South Asian, 0.0011%; no homozygotes.

Submission:

Ambry Genetics
Classification: Likely pathogenic for Hereditary cancer-predisposing syndrome. Last evaluated: 2025-12-12. Review status: criteria provided, single submitter. Criteria: Ambry Variant Classification Scheme 2023. Collection method: clinical testing. Allele origin: germline.
Comment: The c.1654-1G>C intronic variant results from a G to C substitution one nucleotide upstream from coding exon 12 of the MSH3 gene. This variant is considered to be rare based on population cohorts in the Genome Aggregation Database (gnomAD). This nucleotide position is highly conserved in available vertebrate species. In silico splice site analysis predicts that this alteration will weaken the native splice acceptor site; however, direct evidence is insufficient at this time (Ambry internal data). Alterations that disrupt the canonical splice site are expected to cause aberrant splicing, resulting in an abnormal protein or a transcript that is subject to nonsense-mediated mRNA decay. As such, this alteration is classified as likely pathogenic.